The following is an entry in ClinVar:

NM_024537.4(CARS2):c.855C>T (p.Asn285=)

Gene: CARS2 (cysteinyl-tRNA synthetase 2, mitochondrial; minus strand). Cytogenetic location: 13q34.
Variant type: single nucleotide variant.
Coding change: c.855C>T on transcript NM_024537.4 (MANE Select); coding-DNA position 855, C replaced by T.
Protein change: p.Asn285=; no amino-acid change (asparagine 285 retained).
Molecular consequence: synonymous variant. On other transcripts: non-coding transcript variant (2).
Genome position (GRCh38, 1-based): chr13:110,667,404, G>A on the plus strand (C>T on the coding strand, the complement: CARS2 is on the minus strand). VCF-style: chr13-110667404-G-A. GRCh37 (hg19) VCF-style: chr13-111319751-G-A.
Other names: c.69C>T, p.Asn23= (NM_001352252.2); c.855C>T, p.Asn285= (NM_001352253.3).
Identifiers: ClinVar variation 383516 (VCV000383516.10), dbSNP rs201463850, ClinGen allele CA16606640.
Genomic context (GRCh38, chr13:110,667,404, plus strand): 5'-ATGCAGAAAATAATTTCCCCACTGCTCGCACTGATGAAAGACTTCGCACTGTGCAATTTC[G>A]TTTTCATGATGTGGAAAAGCTAAATCTATCCCACCTGAATGGATATCCAGTTGACTTCCA-3'
Protein context (NP_078813.1, residues 275-295): GIDLAFPHHE[Asn285=]EIAQCEVFHQ

ClinVar aggregate classification (germline): Likely benign. Review status: criteria provided, multiple submitters, no conflicts (2 of 4 stars). 2 submissions from 2 submitters: Likely benign (2). Last evaluated 2023-10-03.

Conditions:
Combined oxidative phosphorylation defect type 27. Also called: Combined oxidative phosphorylation deficiency 27. Identifiers: Orphanet 477774, MedGen C5567608, MONDO:0014728, OMIM 616672.

Allele frequency attached by ClinVar (database versions not stated): gnomAD exomes below 0.00001 and 0.00001; gnomAD 0.00002 and 0.00003; TOPMed 0.00006; ESP Exome Variant Server 0.00008.
gnomAD v4.1: 23 of 1,613,614 alleles (0.0014%); highest among the groups gnomAD compares: East Asian, 0.027%; no homozygotes.

Submissions (2):

Labcorp Genetics (formerly Invitae), Labcorp
Classification: Likely benign for Combined oxidative phosphorylation defect type 27. Last evaluated: 2023-10-03. Review status: criteria provided, single submitter. Criteria: Invitae Variant Classification Sherloc (09022015). Collection method: clinical testing. Allele origin: germline.

GeneDx
Classification: Likely benign. Last evaluated: 2016-03-17. Review status: criteria provided, single submitter. Criteria: GeneDx Variant Classification (06012015). Collection method: clinical testing. Allele origin: germline. Affected: yes.
Comment: This variant is considered likely benign or benign based on one or more of the following criteria: it is a conservative change, it occurs at a poorly conserved position in the protein, it is predicted to be benign by multiple in silico algorithms, and/or has population frequency not consistent with disease.